The following is an entry in ClinVar:

NM_000368.5(TSC1):c.1647G>A (p.Lys549=)

Gene: TSC1 (TSC complex subunit 1; minus strand). Cytogenetic location: 9q34.13.
Variant type: single nucleotide variant.
Coding change: c.1647G>A on transcript NM_000368.5 (MANE Select); coding-DNA position 1647, G replaced by A.
Protein change: p.Lys549=; no amino-acid change (lysine 549 retained).
Molecular consequence: synonymous variant.
Genome position (GRCh38, 1-based): chr9:132,905,931, C>T on the plus strand (G>A on the coding strand, the complement: TSC1 is on the minus strand). VCF-style: chr9-132905931-C-T. GRCh37 (hg19) VCF-style: chr9-135781318-C-T.
Other names: c.1644G>A, p.Lys548= (NM_001162426.2); c.1494G>A, p.Lys498= (NM_001162427.2); c.1284G>A, p.Lys428= (NM_001362177.2); c.1647G>A (NM_000368.4).
Identifiers: ClinVar variation 1129481 (VCV001129481.11), dbSNP rs2131835538, ClinGen allele CA467813466.

ClinVar aggregate classification (germline): Likely benign. Review status: criteria provided, multiple submitters, no conflicts (2 of 4 stars). 3 submissions from 3 submitters: Likely benign (3). Last evaluated 2024-11-04.

Conditions:
Hereditary cancer-predisposing syndrome. Also called: Neoplastic Syndromes, Hereditary; Tumor predisposition; Hereditary Cancer Syndrome; Hereditary neoplastic syndrome. Identifiers: Orphanet 140162, MedGen C0027672, MeSH D009386, MONDO:0015356.
Tuberous sclerosis syndrome (TSC). Also called: Tuberous Sclerosis Complex; Tuberous sclerosis. Identifiers: Orphanet 805, MedGen C0041341, MONDO:0001734.
Tuberous sclerosis 1 (TSC1). Identifiers: Orphanet 805, MedGen C1854465, MONDO:0008612, OMIM 191100.

Submissions (3):

Labcorp Genetics (formerly Invitae), Labcorp
Classification: Likely benign for Tuberous sclerosis 1. Last evaluated: 2024-11-04. Review status: criteria provided, single submitter. Criteria: Invitae Variant Classification Sherloc (09022015). Collection method: clinical testing. Allele origin: germline.

All of Us Research Program, National Institutes of Health
Classification: Likely benign for Tuberous sclerosis syndrome. Last evaluated: 2023-12-13. Review status: criteria provided, single submitter. Criteria: ACMG Guidelines, 2015. Collection method: clinical testing. Allele origin: germline. Inheritance: Autosomal dominant inheritance. Observed: 1 variant allele, 1 heterozygote.
Comment: This study involves interpretation of variants in research participants for the purpose of population health screening. Participant phenotype was not available at the time of variant classification. Additional details can be found in publication PMID: 35346344, PMCID: PMC8962531

Ambry Genetics
Classification: Likely benign for Hereditary cancer-predisposing syndrome. Last evaluated: 2022-12-18. Review status: criteria provided, single submitter. Criteria: Ambry Variant Classification Scheme 2023. Collection method: clinical testing. Allele origin: germline.